The following is an entry in ClinVar:

ClinVar aggregate classification (germline): Benign/Likely benign. Review status: criteria provided, multiple submitters, no conflicts (2 of 4 stars). 11 submissions from 11 submitters: Benign (4); Likely benign (3). 4 of the submissions do not count toward it. Last evaluated 2026-09-01.

Conditions:
CDKN1C-related disorder. Also called: CDKN1C-related condition.
Beckwith-Wiedemann syndrome (BWS). Also called: EMG SYNDROME; Exomphalos macroglossia gigantism syndrome. Identifiers: Orphanet 116, MedGen C0004903, MONDO:0007534, OMIM 130650.

Allele frequency attached by ClinVar (database versions not stated): 1000 Genomes Project 0.00040; 1000 Genomes Project 30x 0.00172; TOPMed 0.00447; gnomAD exomes 0.01351; ExAC 0.25000.
gnomAD v4.1: 7,682 of 1,050,826 alleles (0.73%); highest among the groups gnomAD compares: Non-Finnish European, 0.77%; 39 homozygotes.

Submissions (11):

CeGaT Center for Human Genetics Tuebingen
Classification: Likely benign. Last evaluated: 2026-09-01. Review status: criteria provided, single submitter. Criteria: CeGaT Center For Human Genetics Tuebingen Variant Classification Criteria Version 2. Collection method: clinical testing. Allele origin: germline. Affected: yes. Observed: 102 variant alleles.
Comment: CDKN1C: BP4, BP7, BS2

Labcorp Genetics (formerly Invitae), Labcorp
Classification: Benign for Beckwith-Wiedemann syndrome. Last evaluated: 2026-02-03. Review status: criteria provided, single submitter. Criteria: Invitae Variant Classification Sherloc (09022015). Collection method: clinical testing. Allele origin: germline.

Blueprint Genetics
Classification: Likely benign. Last evaluated: 2024-11-27. Review status: criteria provided, single submitter. Criteria: ACMG Guidelines, 2015. Collection method: clinical testing. Allele origin: germline.

Sema4
Classification: Benign for Beckwith-Wiedemann syndrome. Last evaluated: 2020-10-23. Review status: criteria provided, single submitter. Criteria: Sema4 Curation Guidelines. Collection method: curation. Allele origin: germline.

Genetic Services Laboratory, University of Chicago
Classification: Benign. Last evaluated: 2020-08-07. Review status: criteria provided, single submitter. Criteria: ACMG Guidelines, 2015. Collection method: clinical testing. Allele origin: germline. Affected: no.

Eurofins Ntd Llc (ga)
Classification: Benign. Last evaluated: 2018-03-27. Review status: criteria provided, single submitter. Criteria: EGL ClinVar v180209 classification definitions. Collection method: clinical testing. Allele origin: germline. Observed: 5 variant alleles, 5 heterozygotes.

Breakthrough Genomics
Classification: Likely benign. Review status: criteria provided, single submitter. Criteria: ACMG Guidelines, 2015. Collection method: not provided. Allele origin: germline. Inheritance: Autosomal dominant inheritance. Affected: yes.

PreventionGenetics, part of Exact Sciences
Classification: Benign for CDKN1C-related condition. Last evaluated: 2021-09-13. Review status: no assertion criteria provided. Collection method: clinical testing. Allele origin: germline. Not counted in ClinVar's aggregate classification.
Comment: This variant is classified as benign based on ACMG/AMP sequence variant interpretation guidelines (Richards et al. 2015 PMID: 25741868, with internal and published modifications).

Clinical Genetics DNA and cytogenetics Diagnostics Lab, Erasmus MC, Erasmus Medical Center
Classification: Benign. Review status: no assertion criteria provided. Collection method: clinical testing. Allele origin: germline. Affected: yes. Study: VKGL Data-share Consensus. Not counted in ClinVar's aggregate classification.

Joint Genome Diagnostic Labs from Nijmegen and Maastricht, Radboudumc and MUMC+
Classification: Likely benign. Review status: no assertion criteria provided. Collection method: clinical testing. Allele origin: germline. Affected: yes. Study: VKGL Data-share Consensus. Not counted in ClinVar's aggregate classification.

Laboratory of Diagnostic Genome Analysis, Leiden University Medical Center (LUMC)
Classification: Likely benign. Review status: no assertion criteria provided. Collection method: clinical testing. Allele origin: germline. Affected: yes. Study: VKGL Data-share Consensus. Not counted in ClinVar's aggregate classification.

NM_001122630.2(CDKN1C):c.495G>C (p.Ala165=)

Gene: CDKN1C (cyclin dependent kinase inhibitor 1C; minus strand). Cytogenetic location: 11p15.4.
Variant type: single nucleotide variant.
Coding change: c.495G>C on transcript NM_001122630.2 (MANE Select); coding-DNA position 495, G replaced by C.
Protein change: p.Ala165=; no amino-acid change (alanine 165 retained).
Molecular consequence: synonymous variant. On other transcripts: intron variant (1).
Genome position (GRCh38, 1-based): chr11:2,884,962, C>G on the plus strand (G>C on the coding strand, the complement: CDKN1C is on the minus strand). VCF-style: chr11-2884962-C-G. GRCh37 (hg19) VCF-style: chr11-2906192-C-G.
Other names: c.528G>C, p.Ala176= (LRG_533t1, NM_000076.2, NM_001362474.2); c.495G>C, p.Ala165= (NM_001122631.2); c.255+240G>C (NM_001362475.2).
Identifiers: ClinVar variation 193041 (VCV000193041.58), dbSNP rs533485167, ClinGen allele CA200276.